The following is an entry in ClinVar:

ClinVar aggregate classification (germline): Likely benign (1 of 4 stars; one submission).

Conditions:
PLXNA3-related disorder. Also called: PLXNA3-related condition.

gnomAD v4.1: 14 of 1,208,195 alleles (0.0012%); highest among the groups gnomAD compares: African/African-American, 0.0035%; no homozygotes.

Submission:

PreventionGenetics, part of Exact Sciences
Classification: Likely benign for PLXNA3-related condition. Last evaluated: 2025-09-16. Review status: criteria provided, single submitter. Criteria: ACMG Guidelines, 2015. Collection method: clinical testing. Allele origin: germline.
Comment: This variant is classified as likely benign based on ACMG/AMP sequence variant interpretation guidelines (Richards et al. 2015 PMID: 25741868, with internal and published modifications).

NM_017514.5(PLXNA3):c.1713C>T (p.Gly571=)

Gene: PLXNA3 (plexin A3; plus strand). Cytogenetic location: Xq28.
Variant type: single nucleotide variant.
Coding change: c.1713C>T on transcript NM_017514.5 (MANE Select); coding-DNA position 1713, C replaced by T.
Protein change: p.Gly571=; no amino-acid change (glycine 571 retained).
Molecular consequence: synonymous variant.
Genome position (GRCh38, 1-based): chrX:154,464,198, C>T. VCF-style: chrX-154464198-C-T. GRCh37 (hg19) VCF-style: chrX-153692541-C-T.
Identifiers: ClinVar variation 4982012 (VCV004982012.1).